The following is an entry in ClinVar:

NM_004320.6(ATP2A1):c.631-10C>T

Gene: ATP2A1 (ATPase sarcoplasmic/endoplasmic reticulum Ca2+ transporting 1; plus strand). Cytogenetic location: 16p11.2.
Variant type: single nucleotide variant.
Coding change: c.631-10C>T on transcript NM_004320.6 (MANE Select); 10 bases into the intron before coding-DNA position 631, C replaced by T.
Molecular consequence: intron variant.
Genome position (GRCh38, 1-based): chr16:28,887,415, C>T. VCF-style: chr16-28887415-C-T. GRCh37 (hg19) VCF-style: chr16-28898736-C-T.
Other names: c.631-10C>T (NM_173201.5); c.256-10C>T (NM_001286075.2).
Identifiers: ClinVar variation 514823 (VCV000514823.1), dbSNP rs1008154815, ClinGen allele CA279232124.

ClinVar aggregate classification (germline): Likely benign (1 of 4 stars; one submission).

Allele frequency attached by ClinVar (database versions not stated): gnomAD exomes below 0.00001; gnomAD 0.00001; TOPMed 0.00003.
gnomAD v4.1: 4 of 1,613,956 alleles (0.00025%); highest among the groups gnomAD compares: Admixed American, 0.0017%; no homozygotes.

Submission:

GeneDx
Classification: Likely benign. Last evaluated: 2018-01-23. Review status: criteria provided, single submitter. Criteria: GeneDx Variant Classification (06012015). Collection method: clinical testing. Allele origin: germline. Affected: yes.
Comment: This variant is considered likely benign or benign based on one or more of the following criteria: it is a conservative change, it occurs at a poorly conserved position in the protein, it is predicted to be benign by multiple in silico algorithms, and/or has population frequency not consistent with disease.